The following is an entry in ClinVar:

NM_024757.5(EHMT1):c.3887_*10dup (p.Ala1294_Ter1299=)

Gene: EHMT1 (euchromatic histone lysine methyltransferase 1; plus strand). Cytogenetic location: 9q34.3.
Variant type: Duplication.
Coding change: c.3887_*10dup on transcript NM_024757.5 (MANE Select); coding-DNA position 3887 through 10 bases downstream of the stop codon, 21 bases duplicated (ACCCCCTATGAGACGCCGCCG).
Protein change: p.Ala1294_Ter1299=.
Molecular consequence: no sequence alteration.
Genome position (GRCh38, 1-based): chr9:137,834,943-137,834,963, ACCCCCTATGAGACGCCGCCG duplicated; duplicating any 21 consecutive bases within chr9:137,834,936-137,834,963 gives the same sequence; the c. name uses the placement nearest the transcript's 3' end. VCF-style (leftmost placement, unchanged base first): chr9-137834935-T-TGCCGCCGACCCCCTATGAGAC. GRCh37 (hg19) VCF-style: chr9-140729387-T-TGCCGCCGACCCCCTATGAGAC.
Other names: c.3866_*10dup, p.Ala1287_Ter1292= (NM_001354263.2).
Identifiers: ClinVar variation 1521546 (VCV001521546.6), dbSNP rs1393445160, ClinGen allele CA591376068.

ClinVar aggregate classification (germline): Uncertain significance (1 of 4 stars; one submission).

Conditions:
Kleefstra syndrome 1 (KLEFS1). Identifiers: Orphanet 261494, MedGen C0795833, MONDO:0027407, OMIM 610253.

Submission:

Labcorp Genetics (formerly Invitae), Labcorp
Classification: Uncertain significance for Kleefstra syndrome 1. Last evaluated: 2026-01-05. Review status: criteria provided, single submitter. Criteria: Invitae Variant Classification Sherloc (09022015). Collection method: clinical testing. Allele origin: germline.
Comment: This variant occurs in a non-coding region of the EHMT1 gene. It does not change the encoded amino acid sequence of the EHMT1 protein. This variant is present in population databases (no rsID available, gnomAD 0.005%). This variant has not been reported in the literature in individuals affected with EHMT1-related conditions. ClinVar contains an entry for this variant (Variation ID: 1521546). Experimental studies and prediction algorithms are not available or were not evaluated, and the functional significance of this variant is currently unknown. In summary, the available evidence is currently insufficient to determine the role of this variant in disease. Therefore, it has been classified as a Variant of Uncertain Significance.